The following is an entry in ClinVar:

ClinVar aggregate classification (germline): Uncertain significance. Review status: criteria provided, multiple submitters, no conflicts (2 of 4 stars). 4 submissions from 4 submitters: Uncertain significance (4). Last evaluated 2026-05-15.

Conditions:
Hereditary cancer-predisposing syndrome. Also called: Hereditary neoplastic syndrome; Tumor predisposition; Neoplastic Syndromes, Hereditary; Hereditary Cancer Syndrome. Identifiers: Orphanet 140162, MedGen C0027672, MeSH D009386, MONDO:0015356.
Classic or attenuated familial adenomatous polyposis. Identifiers: MedGen CN372698, MONDO:0021057.
Familial adenomatous polyposis 1 (FAP1). Also called: FAMILIAL ADENOMATOUS POLYPOSIS 1, ATTENUATED; POLYPOSIS, ADENOMATOUS INTESTINAL. Identifiers: MedGen C2713442, MONDO:0021056, OMIM 175100. Disease mechanism: loss of function.

Submissions (4):

Women's Health and Genetics/Laboratory Corporation of America, LabCorp
Classification: Uncertain significance. Last evaluated: 2026-05-15. Review status: criteria provided, single submitter. Criteria: LabCorp Variant Classification Summary - May 2015. Collection method: clinical testing. Allele origin: germline.

Ambry Genetics
Classification: Uncertain significance for Hereditary cancer-predisposing syndrome. Last evaluated: 2025-07-14. Review status: criteria provided, single submitter. Criteria: Ambry Variant Classification Scheme 2023. Collection method: clinical testing. Allele origin: germline.
Comment: The p.R856G variant (also known as c.2566C>G), located in coding exon 15 of the APC gene, results from a C to G substitution at nucleotide position 2566. The arginine at codon 856 is replaced by glycine, an amino acid with dissimilar properties. This amino acid position is well conserved in available vertebrate species. In addition, in silico predictors for this gene do not accurately predict pathogenicity. Missense alterations in APC are not a common cause of disease (Spier I et al. Genet Med. 2024 Feb;26(2):100992). Based on the available evidence, the clinical significance of this variant remains unclear.

All of Us Research Program, National Institutes of Health
Classification: Uncertain significance for Classic or attenuated familial adenomatous polyposis. Last evaluated: 2023-11-20. Review status: criteria provided, single submitter. Criteria: ACMG Guidelines, 2015. Collection method: clinical testing. Allele origin: germline. Inheritance: Autosomal dominant inheritance. Observed: 1 variant allele, 1 heterozygote.
Comment: This missense variant replaces arginine with glycine at codon 856 of the APC protein. Computational prediction is inconclusive regarding the impact of this variant on protein structure and function (internally defined REVEL score threshold 0.5 < inconclusive < 0.7, PMID: 27666373). To our knowledge, functional studies have not been reported for this variant. This variant has not been reported in individuals affected with APC-related disorders in the literature. This variant has not been identified in the general population by the Genome Aggregation Database (gnomAD). The available evidence is insufficient to determine the role of this variant in disease conclusively. Therefore, this variant is classified as a Variant of Uncertain Significance.

This study involves interpretation of variants in research participants for the purpose of population health screening. Participant phenotype was not available at the time of variant classification. Additional details can be found in publication PMID: 35346344, PMCID: PMC8962531

Labcorp Genetics (formerly Invitae), Labcorp
Classification: Uncertain significance for Familial adenomatous polyposis 1. Last evaluated: 2022-03-12. Review status: criteria provided, single submitter. Criteria: Invitae Variant Classification Sherloc (09022015). Collection method: clinical testing. Allele origin: germline.
Comment: ClinVar contains an entry for this variant (Variation ID: 1021062). This variant has not been reported in the literature in individuals affected with APC-related conditions. This variant is not present in population databases (gnomAD no frequency). Algorithms developed to predict the effect of missense changes on protein structure and function (SIFT, PolyPhen-2, Align-GVGD) all suggest that this variant is likely to be disruptive. This sequence change replaces arginine, which is basic and polar, with glycine, which is neutral and non-polar, at codon 856 of the APC protein (p.Arg856Gly). In summary, the available evidence is currently insufficient to determine the role of this variant in disease. Therefore, it has been classified as a Variant of Uncertain Significance.

NM_000038.6(APC):c.2566C>G (p.Arg856Gly)

Gene: APC (APC regulator of Wnt signaling pathway; plus strand). Cytogenetic location: 5q22.2.
Variant type: single nucleotide variant.
Coding change: c.2566C>G on transcript NM_000038.6 (MANE Select); coding-DNA position 2566, C replaced by G.
Protein change: p.Arg856Gly; replaces arginine 856 with glycine.
Molecular consequence: missense variant.
Genome position (GRCh38, 1-based): chr5:112,838,160, C>G. VCF-style: chr5-112838160-C-G. GRCh37 (hg19) VCF-style: chr5-112173857-C-G.
Other names: c.2293C>G, p.Arg765Gly (NM_001354902.2); c.2263C>G, p.Arg755Gly (NM_001354903.2); c.2188C>G, p.Arg730Gly (NM_001354904.2); c.2086C>G, p.Arg696Gly (NM_001354905.2); c.1717C>G, p.Arg573Gly (NM_001354906.2); c.2566C>G, p.Arg856Gly (NM_001127510.3, NM_001354895.2); c.2512C>G, p.Arg838Gly (NM_001127511.3); c.2620C>G, p.Arg874Gly (NM_001354896.2); and 6 more; short protein forms R573G, R696G, R730G, R755G, R765G, R797G, R815G, R828G.
Identifiers: ClinVar variation 1021062 (VCV001021062.10), dbSNP rs566005215, ClinGen allele CA16026958.
Genomic context (GRCh38, chr5:112,838,160, plus strand): 5'-TCATCAAGAGGAAGCTTAGATAGTTCTCGTTCTGAAAAAGATAGAAGTTTGGAGAGAGAA[C>G]GCGGAATTGGTCTAGGCAACTACCATCCAGCAACAGAAAATCCAGGAACTTCTTCAAAGC-3'
Protein context (NP_000029.2, residues 846-866): SEKDRSLERE[Arg856Gly]GIGLGNYHPA